The following is an entry in ClinVar:

ClinVar aggregate classification (germline): Pathogenic/Likely pathogenic. Review status: criteria provided, multiple submitters, no conflicts (2 of 4 stars). 3 submissions from 3 submitters: Pathogenic (1); Likely pathogenic (2). Last evaluated 2025-07-02.

Conditions:
TRPM1-related disorder. Also called: TRPM1-related condition.

Submissions (3):

Labcorp Genetics (formerly Invitae), Labcorp
Classification: Pathogenic. Last evaluated: 2025-07-02. Review status: criteria provided, single submitter. Criteria: Invitae Variant Classification Sherloc (09022015). Collection method: clinical testing. Allele origin: germline.
Comment: This sequence change creates a premature translational stop signal (p.Met696Profs*72) in the TRPM1 gene. It is expected to result in an absent or disrupted protein product. Loss-of-function variants in TRPM1 are known to be pathogenic (PMID: 19896113, 19966281, 20300565). This variant is present in population databases (no rsID available, gnomAD 0.002%). This variant has not been reported in the literature in individuals affected with TRPM1-related conditions. ClinVar contains an entry for this variant (Variation ID: 939066). For these reasons, this variant has been classified as Pathogenic.

PreventionGenetics, part of Exact Sciences
Classification: Likely pathogenic for TRPM1-related condition. Last evaluated: 2025-01-31. Review status: criteria provided, single submitter. Criteria: ACMG Guidelines, 2015. Collection method: clinical testing. Allele origin: germline.
Comment: The TRPM1 c.2203_2210del8 variant is predicted to result in a frameshift and premature protein termination (p.Met735Profs*72). To our knowledge, this variant has not been reported in the literature. This variant is reported in 0.0018% of alleles in individuals of European (non-Finnish) descent in gnomAD. Frameshift variants in TRPM1 are expected to be pathogenic. This variant is interpreted as likely pathogenic.

Blueprint Genetics
Classification: Likely pathogenic for TRPM1-related disorders. Last evaluated: 2024-03-13. Review status: criteria provided, single submitter. Criteria: ACMG Guidelines, 2015. Collection method: clinical testing. Allele origin: germline. Affected: yes. Observed: 4 variant alleles.

Literature cited by the submitters: PubMed 19896113 (cited by Labcorp Genetics (formerly Invitae), Labcorp); PubMed 19966281 (cited by Labcorp Genetics (formerly Invitae), Labcorp); PubMed 20300565 (cited by Labcorp Genetics (formerly Invitae), Labcorp).

NM_001252024.2(TRPM1):c.2152_2159del (p.Met718fs)

Gene: TRPM1 (transient receptor potential cation channel subfamily M member 1; minus strand). Cytogenetic location: 15q13.3.
Variant type: Deletion.
Coding change: c.2152_2159del on transcript NM_001252024.2 (MANE Select); coding-DNA positions 2152 to 2159, 8 bases deleted (ATGAAACT; older notation c.2152_2159delATGAAACT).
Protein change: p.Met718fs; shifts the reading frame from methionine 718.
Molecular consequence: frameshift variant.
Genome position (GRCh38, 1-based): chr15:31,040,275-31,040,282, AGTTTCAT deleted on the plus strand (ATGAAACT on the coding strand, the reverse complement: TRPM1 is on the minus strand); deleting any 8 consecutive bases within chr15:31,040,275-31,040,284 gives the same sequence; the c. name uses the placement nearest the transcript's 3' end. VCF-style (leftmost placement, unchanged base first): chr15-31040274-GAGTTTCAT-G. GRCh37 (hg19) VCF-style: chr15-31332477-GAGTTTCAT-G.
Other names: c.2203_2210del, p.Met735fs (NM_001252020.2); c.2086_2093del, p.Met696fs (NM_002420.6); c.2203_2210del8 (NM_001252020.1); short protein forms M718fs, M735fs, M696fs.
Identifiers: ClinVar variation 939066 (VCV000939066.9), dbSNP rs1277885369, ClinGen allele CA617109407.